The following is an entry in ClinVar:

NM_005251.3(FOXC2):c.610C>T (p.Pro204Ser)

Gene: FOXC2 (forkhead box C2; plus strand). Cytogenetic location: 16q24.1.
Variant type: single nucleotide variant.
Coding change: c.610C>T on transcript NM_005251.3 (MANE Select); coding-DNA position 610, C replaced by T.
Protein change: p.Pro204Ser; replaces proline 204 with serine.
Molecular consequence: missense variant.
Genome position (GRCh38, 1-based): chr16:86,567,945, C>T. VCF-style: chr16-86567945-C-T. GRCh37 (hg19) VCF-style: chr16-86601551-C-T.
Other names: c.610C>T (NM_005251.2); short protein forms P204S.
Identifiers: ClinVar variation 2114856 (VCV002114856.5), dbSNP rs779821571, ClinGen allele CA397007866.

ClinVar aggregate classification (germline): Uncertain significance. Review status: criteria provided, multiple submitters, no conflicts (2 of 4 stars). 2 submissions from 2 submitters: Uncertain significance (2). Last evaluated 2024-10-16.

gnomAD v4.1: 6 of 1,552,852 alleles (0.00039%); highest among the groups gnomAD compares: East Asian, 0.013%; no homozygotes.

Submissions (2):

GeneDx
Classification: Uncertain significance. Last evaluated: 2024-10-16. Review status: criteria provided, single submitter. Criteria: GeneDx Variant Classification Process June 2021. Collection method: clinical testing. Allele origin: germline. Affected: yes.
Comment: Not observed at significant frequency in large population cohorts (gnomAD); In silico analysis indicates that this missense variant does not alter protein structure/function; Has not been previously published as pathogenic or benign to our knowledge

Labcorp Genetics (formerly Invitae), Labcorp
Classification: Uncertain significance. Last evaluated: 2024-06-03. Review status: criteria provided, single submitter. Criteria: Invitae Variant Classification Sherloc (09022015). Collection method: clinical testing. Allele origin: germline.
Comment: This sequence change replaces proline, which is neutral and non-polar, with serine, which is neutral and polar, at codon 204 of the FOXC2 protein (p.Pro204Ser). This variant is present in population databases (no rsID available, gnomAD 0.02%). This variant has not been reported in the literature in individuals affected with FOXC2-related conditions. ClinVar contains an entry for this variant (Variation ID: 2114856). An algorithm developed to predict the effect of missense changes on protein structure and function (PolyPhen-2) suggests that this variant is likely to be tolerated. In summary, the available evidence is currently insufficient to determine the role of this variant in disease. Therefore, it has been classified as a Variant of Uncertain Significance.